The following is an entry in ClinVar:

ClinVar aggregate classification (germline): Likely pathogenic. Review status: reviewed by expert panel (3 of 4 stars). 4 submissions from 4 submitters: Likely pathogenic (1). 3 of the submissions do not count toward it. Last evaluated 2024-07-29.

Conditions:
T-cell lymphopenia, infantile, with or without nail dystrophy, autosomal dominant. Identifiers: Orphanet 676039, MedGen C5394133, MONDO:0032928, OMIM 618806.
T-cell immunodeficiency, congenital alopecia, and nail dystrophy. Also called: Congenital alopecia and nail dystrophy associated with severe functional T-cell immunodeficiency; Pignata Guarino syndrome. Identifiers: Orphanet 169095, MedGen C1866426, MONDO:0011132, OMIM 601705.

Submissions (4):

ClinGen Severe Combined Immunodeficiency Variant Curation Expert Panel, ClinGen
Classification: Likely pathogenic for T-cell immunodeficiency, congenital alopecia, and nail dystrophy. Last evaluated: 2024-07-29. Review status: reviewed by expert panel. Criteria: ClinGen SCID ACMG Specifications FOXN1 V1.0.0. Collection method: curation. Allele origin: germline. Inheritance: Semidominant inheritance.
Comment: The NM_001369369.1(FOXN1):c.1315del (p.Leu439CysfsTer?) frameshift variant in exon 8 results in a premature stop codon in the final exon (exon 9) at codon 549. It is not predicted to cause NMD but would truncate 15% of the protein, including most of the transactivation domain which is critical to protein function (PVS1_Strong). This variant is absent from gnomADv2.1.1 (PM2_supporting). It has been reported heterozygous in three patients (PMID: 31447097 and PMID: 30809743) with low CD3 and CD3+CD8+ T cell counts (PP4, PS4_supporting). In summary this variant meets criteria to be classified as likely pathogenic for semidominant T-cell immunodeficiency, congenital alopecia, and nail dystrophy due to FOXN1 deficiency based on the ACMG/AMP criteria applied: PVS1_strong, PM2_Supporting, PP4, PS4_moderate as specified by the ClinGen SCID VCEP FOXN1 subgroup.

Clinical Genetics Laboratory, Skane University Hospital Lund
Classification: Likely pathogenic for T-cell lymphopenia, infantile, with or without nail dystrophy, autosomal dominant. Last evaluated: 2025-02-10. Review status: criteria provided, single submitter. Criteria: ACMG Guidelines, 2015. Collection method: clinical testing. Allele origin: germline. Affected: yes. Not counted in ClinVar's aggregate classification.

Labcorp Genetics (formerly Invitae), Labcorp
Classification: Pathogenic for T-cell immunodeficiency, congenital alopecia, and nail dystrophy. Last evaluated: 2021-05-13. Review status: criteria provided, single submitter. Criteria: Invitae Variant Classification Sherloc (09022015). Collection method: clinical testing. Allele origin: germline. Not counted in ClinVar's aggregate classification.
Comment: For these reasons, this variant has been classified as Pathogenic. This variant disrupts a region of the protein in which other variant(s) (p.Leu519Gln) have been observed in individuals with FOXN1-related conditions (PMID: 27484032). This suggests that this may be a clinically significant region of the FOXN1 protein. This sequence change creates a premature translational stop signal (p.Leu439Cysfs*111) in the FOXN1 gene. While this is not anticipated to result in nonsense mediated decay, it is expected to disrupt the last 210 amino acid(s) of the FOXN1 protein. This variant is not present in population databases (ExAC no frequency). This variant has been observed in individual(s) with clinical features of FOXN1 haploinsufficiency (PMID: 31447097, Invitae). It has also been observed to segregate with disease in related individuals. ClinVar contains an entry for this variant (Variation ID: 423100).

GeneDx
Classification: Uncertain significance. Last evaluated: 2017-01-31. Review status: criteria provided, single submitter. Criteria: GeneDx Variant Classification (06012015). Collection method: clinical testing. Allele origin: germline. Affected: yes. Not counted in ClinVar's aggregate classification.
Comment: The c.1315delC variant in the FOXN1 gene has not been reported previously as a pathogenic variant nor as a benign variant, to our knowledge. The c.1315delC variant causes a frameshift starting with codon Leucine 439, changes this amino acid to a Cysteine residue, and creates a premature Stop codon at position 111 of the new reading frame, denoted p.Leu439CysfsX111. This variant is predicted to cause loss of normal protein function through protein truncation. The c.1315delC variant was not observed in approximately 6,500 individuals of European and African American ancestry in the NHLBI Exome Sequencing Project, indicating it is not a common benign variant in these populations. We interpret c.1315delC as a variant of uncertain significance.

Literature cited by the submitters: PubMed 27484032 (cited by Labcorp Genetics (formerly Invitae), Labcorp); PubMed 31447097 (cited by Labcorp Genetics (formerly Invitae), Labcorp).

NM_001369369.1(FOXN1):c.1315del (p.Leu439fs)

Gene: FOXN1 (forkhead box N1; plus strand). Cytogenetic location: 17q11.2.
Variant type: Deletion.
Coding change: c.1315del on transcript NM_001369369.1 (MANE Select); coding-DNA position 1315, one base deleted (C; older notation c.1315delC).
Protein change: p.Leu439fs; shifts the reading frame from leucine 439.
Molecular consequence: frameshift variant.
Genome position (GRCh38, 1-based): chr17:28,534,886, C deleted; the last of 5 consecutive C bases (chr17:28,534,882-28,534,886); deleting any one gives the same sequence. VCF-style (leftmost placement, unchanged base first): chr17-28534881-AC-A. GRCh37 (hg19) VCF-style: chr17-26861899-AC-A.
Other names: NM_001369369.1(FOXN1):c.1315del; p.Leu439fs; c.1315delC (NM_003593.2); c.1315del, p.Leu439fs (NM_003593.3); short protein forms L439fs.
Identifiers: ClinVar variation 423100 (VCV000423100.11), dbSNP rs1064796227, ClinGen allele CA16620353.